The following is an entry in ClinVar:

ClinVar aggregate classification (germline): Uncertain significance (1 of 4 stars; one submission).

Conditions:
Tuberous sclerosis 2 (TSC2). Identifiers: Orphanet 805, MedGen C1860707, MONDO:0013199, OMIM 613254.

gnomAD v4.1: 2 of 1,614,186 alleles (0.00012%); highest among the groups gnomAD compares: South Asian, 0.0011%; no homozygotes.

Submission:

Labcorp Genetics (formerly Invitae), Labcorp
Classification: Uncertain significance for Tuberous sclerosis 2. Last evaluated: 2022-07-06. Review status: criteria provided, single submitter. Criteria: Invitae Variant Classification Sherloc (09022015). Collection method: clinical testing. Allele origin: germline.
Comment: This sequence change affects codon 118 of the TSC2 mRNA. It is a 'silent' change, meaning that it does not change the encoded amino acid sequence of the TSC2 protein. In summary, the available evidence is currently insufficient to determine the role of this variant in disease. Therefore, it has been classified as a Variant of Uncertain Significance. Algorithms developed to predict the effect of sequence changes on RNA splicing suggest that this variant may create or strengthen a splice site. This variant has not been reported in the literature in individuals affected with TSC2-related conditions. This variant is not present in population databases (gnomAD no frequency).

NM_000548.5(TSC2):c.354C>A (p.Val118=)

Gene: TSC2 (TSC complex subunit 2; plus strand). Cytogenetic location: 16p13.3.
Variant type: single nucleotide variant.
Coding change: c.354C>A on transcript NM_000548.5 (MANE Select); coding-DNA position 354, C replaced by A.
Protein change: p.Val118=; no amino-acid change (valine 118 retained).
Molecular consequence: synonymous variant. On other transcripts: 5 prime UTR variant (14), non-coding transcript variant (5), intron variant (6).
Genome position (GRCh38, 1-based): chr16:2,054,313, C>A. VCF-style: chr16-2054313-C-A. GRCh37 (hg19) VCF-style: chr16-2104314-C-A.
Other names: c.354C>A, p.Val118= (NM_001077183.3, NM_001114382.3, NM_001363528.2 and 8 more transcripts); c.243C>A, p.Val81= (NM_001318827.2, NM_001406670.1, NM_001406678.1); c.207C>A, p.Val69= (NM_001318829.2, NM_001406675.1, NM_001406676.1 and 1 more transcripts); c.387C>A, p.Val129= (NM_001318832.2); c.444C>A, p.Val148= (NM_001406667.1, NM_001406668.1); c.297C>A, p.Val99= (NM_001406677.1); c.-463C>A (NM_001406680.1, NM_001406683.1, NM_001406687.1); c.-92C>A (NM_001406681.1); and 6 more.
Identifiers: ClinVar variation 2014532 (VCV002014532.4), dbSNP rs762228318, ClinGen allele CA492955349.
Genomic context (GRCh38, chr16:2,054,313, plus strand): 5'-CGACGCTGGCAGGCTCTGCTGATCCTGTGGCTTTTGTCTTTAGGGCGAGCGTTTGGGGGT[C>A]CTCAGAGCCCTCTTCTTTAAGGTCATCAAGGATTACCCTTCCAACGAAGACCTTCACGAA-3'
Protein context (NP_000539.2, residues 108-128): IVQGQGERLG[Val118=]LRALFFKVIK